The following is an entry in ClinVar:

NM_005475.3(SH2B3):c.359G>A (p.Ser120Asn)

Gene: SH2B3 (SH2B adaptor protein 3; plus strand). Cytogenetic location: 12q24.12.
Variant type: single nucleotide variant.
Coding change: c.359G>A on transcript NM_005475.3 (MANE Select); coding-DNA position 359, G replaced by A.
Protein change: p.Ser120Asn; replaces serine 120 with asparagine.
Molecular consequence: missense variant.
Genome position (GRCh38, 1-based): chr12:111,418,504, G>A. VCF-style: chr12-111418504-G-A. GRCh37 (hg19) VCF-style: chr12-111856308-G-A.
Other names: short protein forms S120N.
Identifiers: ClinVar variation 3953400 (VCV003953400.1).

ClinVar aggregate classification (germline): Uncertain significance (1 of 4 stars; one submission).

Conditions:
Inborn genetic diseases. Identifiers: MedGen C0950123, MeSH D030342.

gnomAD v4.1: 2 of 1,381,580 alleles (0.00014%); highest among the groups gnomAD compares: Non-Finnish European, 0.00019%; no homozygotes.

Submission:

Ambry Genetics
Classification: Uncertain significance for Inborn genetic diseases. Last evaluated: 2025-03-29. Review status: criteria provided, single submitter. Criteria: Ambry Variant Classification Scheme 2023. Collection method: clinical testing. Allele origin: germline.
Comment: The p.S120N variant (also known as c.359G>A), located in coding exon 1 of the SH2B3 gene, results from a G to A substitution at nucleotide position 359. The serine at codon 120 is replaced by asparagine, an amino acid with highly similar properties. This amino acid position is conserved. In addition, this alteration is predicted to be tolerated by in silico analysis. Based on the available evidence, the clinical significance of this variant remains unclear.